The following is an entry in ClinVar:

NM_001003722.2(GLE1):c.*387C>G

Genes: GLE1 (GLE1 RNA export mediator; plus strand), LOC101929270 (uncharacterized LOC101929270; minus strand). Cytogenetic location: 9q34.11.
Variant type: single nucleotide variant.
Coding change: c.*387C>G on transcript NM_001003722.2 (MANE Select); 387 bases downstream of the stop codon, C replaced by G.
Molecular consequence: 3 prime UTR variant.
Genome position (GRCh38, 1-based): chr9:128,541,557, C>G. VCF-style: chr9-128541557-C-G. GRCh37 (hg19) VCF-style: chr9-131303836-C-G.
Other names: NC_000009.11:g.131303836C>G.
Identifiers: ClinVar variation 365139 (VCV000365139.7), dbSNP rs78624767, ClinGen allele CA10626488.
Genomic context (GRCh38, chr9:128,541,557, plus strand): 5'-TTAACAAATGCACTCTGAGCTGGAGGGAGCCCACCATTTGCACCCACCTACCCACCCTCA[C>G]CCCTGTTCAGATGAATTTCCAGAAAGAGCTAAGGCTCATAAGGTTCCCTTTTAAGTATTA-3'

ClinVar aggregate classification (germline): Benign. Review status: criteria provided, multiple submitters, no conflicts (2 of 4 stars). 3 submissions from 2 submitters: Benign (3). Last evaluated 2018-01-12.

Conditions:
Lethal arthrogryposis-anterior horn cell disease syndrome (CAAHD). Also called: CONGENITAL ARTHROGRYPOSIS WITH ANTERIOR HORN CELL DISEASE. Identifiers: Orphanet 53696, MedGen C5193016, MONDO:0012750, OMIM 611890.
Lethal congenital contracture syndrome 1 (LCCS1). Also called: MULTIPLE CONTRACTURE SYNDROME, FINNISH TYPE. Identifiers: Orphanet 1486, MedGen C1854664, MONDO:0009670, OMIM 253310.

Allele frequency attached by ClinVar (database versions not stated): gnomAD 0.00891; TOPMed 0.01321; gnomAD exomes 0.01788; 1000 Genomes Project 30x 0.02983; 1000 Genomes Project 0.03015.

Submissions (4):

Illumina Laboratory Services, Illumina
Classification: Benign for Lethal congenital contracture syndrome 1. Last evaluated: 2018-01-12. Review status: criteria provided, single submitter. Criteria: ICSL Variant Classification Criteria 13 December 2019. Collection method: clinical testing. Allele origin: germline.
Comment: This variant was observed in the ICSL laboratory as part of a predisposition screen in an ostensibly healthy population. It had not been previously curated by ICSL or reported in the Human Gene Mutation Database (HGMD: prior to June 1st, 2018), and was therefore a candidate for classification through an automated scoring system. Utilizing variant allele frequency, disease prevalence and penetrance estimates, and inheritance mode, an automated score was calculated to assess if this variant is too frequent to cause the disease. Based on the score and internal cut-off values, a variant classified as benign is not then subjected to further curation. The score for this variant resulted in a classification of benign for this disease.

Illumina Laboratory Services, Illumina
Classification: Benign for Lethal arthrogryposis-anterior horn cell disease syndrome. Last evaluated: 2018-01-12. Review status: criteria provided, single submitter. Criteria: ICSL Variant Classification Criteria 13 December 2019. Collection method: clinical testing. Allele origin: germline.
Comment: the same text as in the submission from Illumina Laboratory Services, Illumina above.

Breakthrough Genomics
Classification: Benign. Review status: criteria provided, single submitter. Criteria: ACMG Guidelines, 2015. Collection method: not provided. Allele origin: germline. Inheritance: Autosomal recessive inheritance. Affected: yes.

Dr. Peter K. Rogan Lab, Western University
No classification provided (evidence only). Condition: Acute myeloid leukemia. Review status: no classification provided. Collection method: in vitro. Allele origin: not applicable. Functional consequence: retained intron. Not counted in ClinVar's aggregate classification.